The following is an entry in ClinVar:

NM_007294.4(BRCA1):c.2797G>T (p.Gly933Cys)

Gene: BRCA1 (BRCA1 DNA repair associated; minus strand). Cytogenetic location: 17q21.31.
Variant type: single nucleotide variant.
Coding change: c.2797G>T on transcript NM_007294.4 (MANE Select); coding-DNA position 2797, G replaced by T.
Protein change: p.Gly933Cys; replaces glycine 933 with cysteine.
Molecular consequence: missense variant. On other transcripts: intron variant (137).
Genome position (GRCh38, 1-based): chr17:43,092,734, C>A on the plus strand (G>T on the coding strand, the complement: BRCA1 is on the minus strand). VCF-style: chr17-43092734-C-A. GRCh37 (hg19) VCF-style: chr17-41244751-C-A.
Other names: c.2584G>T, p.Gly862Cys (NM_001407571.1, NM_001407853.1, NM_001407894.1 and 9 more transcripts); c.2797G>T, p.Gly933Cys (NM_001407581.1, NM_001407582.1, NM_001407583.1 and 30 more transcripts); c.2794G>T, p.Gly932Cys (NM_001407587.1, NM_001407590.1, NM_001407591.1 and 22 more transcripts); c.2788G>T, p.Gly930Cys (NM_001407646.1, NM_001407647.1); c.2674G>T, p.Gly892Cys (NM_001407648.1, NM_001407664.1, NM_001407665.1 and 19 more transcripts); c.2671G>T, p.Gly891Cys (NM_001407649.1, NM_001407670.1, NM_001407671.1 and 11 more transcripts); c.2719G>T, p.Gly907Cys (NM_001407653.1, NM_001407654.1, NM_001407655.1 and 4 more transcripts); c.2716G>T, p.Gly906Cys (NM_001407659.1, NM_001407660.1, NM_001407661.1 and 1 more transcripts); and 41 more; short protein forms G933C, G886C, G822C, G844C, G862C, G885C, G637C, G765C.
Identifiers: ClinVar variation 1464104 (VCV001464104.11), dbSNP rs2154359101, ClinGen allele CA10596401.

ClinVar aggregate classification (germline): Conflicting classifications of pathogenicity. Review status: criteria provided, conflicting classifications (1 of 4 stars). 2 submissions from 2 submitters: Uncertain significance (1); Likely benign (1). Last evaluated 2023-03-23.

Conditions:
Hereditary breast ovarian cancer syndrome. Also called: Hereditary breast and ovarian cancer; Breast and ovarian cancer; BRCA1- and BRCA2-Associated Hereditary Breast and Ovarian Cancer; Hereditary breast and/or ovarian cancer syndrome; Hereditary breast and ovarian cancer syndrome; Hereditary breast and ovarian cancer syndrome (HBOC). Identifiers: Orphanet 145, MedGen C0677776, MeSH D061325, MONDO:0003582. Disease mechanism: loss of function.
Hereditary cancer-predisposing syndrome. Also called: Tumor predisposition; Hereditary neoplastic syndrome; Hereditary Cancer Syndrome; Neoplastic Syndromes, Hereditary. Identifiers: Orphanet 140162, MedGen C0027672, MeSH D009386, MONDO:0015356.

Submissions (2):

University of Washington Department of Laboratory Medicine, University of Washington
Classification: Likely benign for Hereditary cancer-predisposing syndrome. Last evaluated: 2023-03-23. Review status: criteria provided, single submitter. Criteria: Dines et al. (Genet Med. 2020). Collection method: curation. Allele origin: germline.
Comment: Missense variant in a coldspot region where missense variants are very unlikely to be pathogenic (PMID:31911673).

BRCA1 coldspot (exon 11 using historical exon numbering). Reclassification based on statistical prior probability

Labcorp Genetics (formerly Invitae), Labcorp
Classification: Uncertain significance for Hereditary breast ovarian cancer syndrome. Last evaluated: 2020-12-21. Review status: criteria provided, single submitter. Criteria: Invitae Variant Classification Sherloc (09022015). Collection method: clinical testing. Allele origin: germline.
Comment: This variant is not present in population databases (ExAC no frequency). This variant has not been reported in the literature in individuals with BRCA1-related conditions. Advanced modeling of protein sequence and biophysical properties (such as structural, functional, and spatial information, amino acid conservation, physicochemical variation, residue mobility, and thermodynamic stability) performed at Invitae indicates that this missense variant is not expected to disrupt BRCA1 protein function. In summary, the available evidence is currently insufficient to determine the role of this variant in disease. Therefore, it has been classified as a Variant of Uncertain Significance. This sequence change replaces glycine with cysteine at codon 933 of the BRCA1 protein (p.Gly933Cys). The glycine residue is weakly conserved and there is a large physicochemical difference between glycine and cysteine.